The following is an entry in ClinVar:

NM_203290.4(POLR1C):c.585T>C (p.Asp195=)

Gene: POLR1C (RNA polymerase I and III subunit C; plus strand). Cytogenetic location: 6p21.1.
Variant type: single nucleotide variant.
Coding change: c.585T>C on transcript NM_203290.4 (MANE Select); coding-DNA position 585, T replaced by C.
Protein change: p.Asp195=; no amino-acid change (aspartic acid 195 retained).
Molecular consequence: synonymous variant.
Genome position (GRCh38, 1-based): chr6:43,520,357, T>C. VCF-style: chr6-43520357-T-C. GRCh37 (hg19) VCF-style: chr6-43488095-T-C.
Other names: c.585T>C, p.Asp195= (NM_001318876.2, NM_001363658.2).
Identifiers: ClinVar variation 911662 (VCV000911662.12), dbSNP rs766760388, ClinGen allele CA3825497.
Genomic context (GRCh38, chr6:43,520,357, plus strand): 5'-GATCCCCCTGGGGAACCAGGCTGATCTCTTTCCAGAGGGCACTATCCGACCAGTGCATGA[T>C]GATATCCTCATCGCTCAGCTGCGGCCTGGCCAAGAAATTGACCTGCTCATGCACTGTGTC-3'
Protein context (NP_976035.1, residues 185-205): FPEGTIRPVH[Asp195=]DILIAQLRPG

ClinVar aggregate classification (germline): Conflicting classifications of pathogenicity. Review status: criteria provided, conflicting classifications (1 of 4 stars). 3 submissions from 3 submitters: Uncertain significance (1); Likely benign (2). Last evaluated 2026-08-01.

Conditions:
Treacher Collins syndrome 3 (TCS3). Also called: POLR1C-Related Treacher Collins Syndrome. Identifiers: Orphanet 861, MedGen C1855433, MONDO:0009558, OMIM 248390.

Allele frequency attached by ClinVar (database versions not stated): gnomAD 0.00008 and 0.00009; gnomAD exomes 0.00008; ExAC 0.00009; TOPMed 0.00010.
gnomAD v4.1: 239 of 1,613,620 alleles (0.015%); highest among the groups gnomAD compares: Non-Finnish European, 0.018%; no homozygotes.

Submissions (3):

CeGaT Center for Human Genetics Tuebingen
Classification: Likely benign. Last evaluated: 2026-08-01. Review status: criteria provided, single submitter. Criteria: CeGaT Center For Human Genetics Tuebingen Variant Classification Criteria Version 2. Collection method: clinical testing. Allele origin: germline. Affected: yes. Observed: 2 variant alleles.
Comment: POLR1C: BP4, BP7

Labcorp Genetics (formerly Invitae), Labcorp
Classification: Likely benign. Last evaluated: 2022-02-13. Review status: criteria provided, single submitter. Criteria: Invitae Variant Classification Sherloc (09022015). Collection method: clinical testing. Allele origin: germline.

Illumina Laboratory Services, Illumina
Classification: Uncertain significance for Treacher Collins syndrome 3. Last evaluated: 2018-01-13. Review status: criteria provided, single submitter. Criteria: ICSL Variant Classification Criteria 13 December 2019. Collection method: clinical testing. Allele origin: germline.